The following is an entry in ClinVar:

NM_001199138.2(NLRC4):c.757T>C (p.Phe253Leu)

Gene: NLRC4 (NLR family CARD domain containing 4; minus strand). Cytogenetic location: 2p22.3.
Variant type: single nucleotide variant.
Coding change: c.757T>C on transcript NM_001199138.2 (MANE Select); coding-DNA position 757, T replaced by C.
Protein change: p.Phe253Leu; replaces phenylalanine 253 with leucine.
Molecular consequence: missense variant. On other transcripts: intron variant (1).
Genome position (GRCh38, 1-based): chr2:32,251,107, A>G on the plus strand (T>C on the coding strand, the complement: NLRC4 is on the minus strand). VCF-style: chr2-32251107-A-G. GRCh37 (hg19) VCF-style: chr2-32476176-A-G.
Other names: c.757T>C, p.Phe253Leu (NM_001199139.2, NM_021209.5); c.262+1312T>C (NM_001302504.1); short protein forms F253L.
Identifiers: ClinVar variation 1000201 (VCV001000201.8), dbSNP rs1160532583, ClinGen allele CA346514461.

ClinVar aggregate classification (germline): Uncertain significance (1 of 4 stars; one submission).

Conditions:
Periodic fever-infantile enterocolitis-autoinflammatory syndrome. Also called: Autoinflammation with infantile enterocolitis. Identifiers: Orphanet 436166, MedGen C4015067, MONDO:0014472, OMIM 616050.
Familial cold autoinflammatory syndrome 4 (FCAS4). Identifiers: Orphanet 47045, Orphanet 576349, MedGen C4015276, MONDO:0014498, OMIM 616115.

Allele frequency attached by ClinVar (database versions not stated): TOPMed 0.00002; gnomAD exomes below 0.00001 and 0.00001; gnomAD 0.00001.
gnomAD v4.1: 20 of 1,614,018 alleles (0.0012%); highest among the groups gnomAD compares: Non-Finnish European, 0.0015%; no homozygotes.

Submission:

Labcorp Genetics (formerly Invitae), Labcorp
Classification: Uncertain significance for Periodic fever-infantile enterocolitis-autoinflammatory syndrome; Familial cold autoinflammatory syndrome 4. Last evaluated: 2025-11-15. Review status: criteria provided, single submitter. Criteria: Invitae Variant Classification Sherloc (09022015). Collection method: clinical testing. Allele origin: germline.
Comment: This sequence change replaces phenylalanine, which is neutral and non-polar, with leucine, which is neutral and non-polar, at codon 253 of the NLRC4 protein (p.Phe253Leu). This variant is present in population databases (no rsID available, gnomAD 0.0009%). This variant has not been reported in the literature in individuals affected with NLRC4-related conditions. ClinVar contains an entry for this variant (Variation ID: 1000201). Invitae Evidence Modeling of protein sequence and biophysical properties (such as structural, functional, and spatial information, amino acid conservation, physicochemical variation, residue mobility, and thermodynamic stability) indicates that this missense variant is expected to disrupt NLRC4 protein function with a positive predictive value of 80%. In summary, the available evidence is currently insufficient to determine the role of this variant in disease. Therefore, it has been classified as a Variant of Uncertain Significance.